The following is an entry in ClinVar:

NM_004006.3(DMD):c.8384A>G (p.Asn2795Ser)

Gene: DMD (dystrophin; minus strand). Cytogenetic location: Xp21.1.
Variant type: single nucleotide variant.
Coding change: c.8384A>G on transcript NM_004006.3 (MANE Select); coding-DNA position 8384, A replaced by G.
Protein change: p.Asn2795Ser; replaces asparagine 2795 with serine.
Molecular consequence: missense variant.
Genome position (GRCh38, 1-based): chrX:31,507,287, T>C on the plus strand (A>G on the coding strand, the complement: DMD is on the minus strand). VCF-style: chrX-31507287-T-C. GRCh37 (hg19) VCF-style: chrX-31525404-T-C.
Other names: c.8372A>G, p.Asn2791Ser (NM_004009.3); c.8015A>G, p.Asn2672Ser (NM_004010.3); c.4361A>G, p.Asn1454Ser (NM_004011.4); c.4352A>G, p.Asn1451Ser (NM_004012.4); c.1004A>G, p.Asn335Ser (NM_004013.3, NM_004020.4, NM_004021.3 and 2 more transcripts); c.197A>G, p.Asn66Ser (NM_004014.3); c.8360A>G, p.Asn2787Ser (NM_000109.4); short protein forms N2795S, N335S, N66S, N1451S, N2672S, N2787S, N1454S, N2791S.
Identifiers: ClinVar variation 5035380 (VCV005035380.1).

ClinVar aggregate classification (germline): Uncertain significance (1 of 4 stars; one submission).

Conditions:
Cardiovascular phenotype. Identifiers: MedGen CN230736.

Submission:

Ambry Genetics
Classification: Uncertain significance for Cardiovascular phenotype. Last evaluated: 2026-06-22. Review status: criteria provided, single submitter. Criteria: Ambry Variant Classification Scheme 2023. Collection method: clinical testing. Allele origin: germline.
Comment: The p.N2795S variant (also known as c.8384A>G), located in coding exon 56 of the DMD gene, results from an A to G substitution at nucleotide position 8384. The asparagine at codon 2795 is replaced by serine, an amino acid with highly similar properties. This amino acid position is conserved. In addition, this alteration is predicted to be tolerated by in silico analysis. Based on the available evidence, the clinical significance of this variant remains unclear.